The following is an entry in ClinVar:

NM_001378418.1(TCF20):c.4241C>T (p.Ser1414Leu)

Gene: TCF20 (transcription factor 20; minus strand). Cytogenetic location: 22q13.2.
Variant type: single nucleotide variant.
Coding change: c.4241C>T on transcript NM_001378418.1 (MANE Select); coding-DNA position 4241, C replaced by T.
Protein change: p.Ser1414Leu; replaces serine 1414 with leucine.
Molecular consequence: missense variant.
Genome position (GRCh38, 1-based): chr22:42,211,065, G>A on the plus strand (C>T on the coding strand, the complement: TCF20 is on the minus strand). VCF-style: chr22-42211065-G-A. GRCh37 (hg19) VCF-style: chr22-42607071-G-A.
Other names: c.4241C>T, p.Ser1414Leu (NM_005650.4, NM_181492.3); short protein forms S1414L.
Identifiers: ClinVar variation 1336877 (VCV001336877.35), dbSNP rs145553394, ClinGen allele CA10266683.

ClinVar aggregate classification (germline): Benign. Review status: criteria provided, multiple submitters, no conflicts (2 of 4 stars). 5 submissions from 5 submitters: Benign (4). 1 of the submissions does not count toward it. Last evaluated 2026-01-05.

Conditions:
TCF20-related disorder. Also called: TCF20-related condition.

Allele frequency attached by ClinVar (database versions not stated): gnomAD exomes 0.00035 and 0.00089; ExAC 0.00114; 1000 Genomes Project 0.00200; 1000 Genomes Project 30x 0.00203; gnomAD 0.00332 and 0.00367; TOPMed 0.00383; ESP Exome Variant Server 0.00492.
gnomAD v4.1: 1,035 of 1,614,090 alleles (0.064%); highest among the groups gnomAD compares: African/African-American, 1.2%; 6 homozygotes.

Submissions (5):

Labcorp Genetics (formerly Invitae), Labcorp
Classification: Benign. Last evaluated: 2026-01-05. Review status: criteria provided, single submitter. Criteria: Invitae Variant Classification Sherloc (09022015). Collection method: clinical testing. Allele origin: germline.

CeGaT Center for Human Genetics Tuebingen
Classification: Benign. Last evaluated: 2024-01-01. Review status: criteria provided, single submitter. Criteria: CeGaT Center For Human Genetics Tuebingen Variant Classification Criteria Version 2. Collection method: clinical testing. Allele origin: germline. Affected: yes. Observed: 1 variant allele.
Comment: TCF20: BP4, BS1, BS2

Genetic Services Laboratory, University of Chicago
Classification: Benign. Last evaluated: 2018-10-23. Review status: criteria provided, single submitter. Criteria: ACMG Guidelines, 2015. Collection method: clinical testing. Allele origin: germline. Affected: no.

Breakthrough Genomics
Classification: Benign. Review status: criteria provided, single submitter. Criteria: ACMG Guidelines, 2015. Collection method: not provided. Allele origin: germline. Inheritance: Autosomal dominant inheritance. Affected: yes.

PreventionGenetics, part of Exact Sciences
Classification: Likely benign for TCF20-related condition. Last evaluated: 2023-12-26. Review status: no assertion criteria provided. Collection method: clinical testing. Allele origin: germline. Not counted in ClinVar's aggregate classification.
Comment: This variant is classified as likely benign based on ACMG/AMP sequence variant interpretation guidelines (Richards et al. 2015 PMID: 25741868, with internal and published modifications).